The following is an entry in ClinVar:

ClinVar aggregate classification (germline): Uncertain significance (1 of 4 stars; one submission).

Submission:

Labcorp Genetics (formerly Invitae), Labcorp
Classification: Uncertain significance. Last evaluated: 2022-03-01. Review status: criteria provided, single submitter. Criteria: Invitae Variant Classification Sherloc (09022015). Collection method: clinical testing. Allele origin: germline.
Comment: This sequence change replaces tryptophan, which is neutral and slightly polar, with glycine, which is neutral and non-polar, at codon 716 of the SLCO5A1 protein (p.Trp716Gly). This variant is not present in population databases (gnomAD no frequency). This variant has not been reported in the literature in individuals affected with SLCO5A1-related conditions. Algorithms developed to predict the effect of missense changes on protein structure and function are either unavailable or do not agree on the potential impact of this missense change (SIFT: "Deleterious"; PolyPhen-2: "Probably Damaging"; Align-GVGD: "Class C0"). In summary, the available evidence is currently insufficient to determine the role of this variant in disease. Therefore, it has been classified as a Variant of Uncertain Significance.

NM_030958.3(SLCO5A1):c.2146T>G (p.Trp716Gly)

Gene: SLCO5A1 (solute carrier organic anion transporter family member 5A1; minus strand). Cytogenetic location: 8q13.3.
Variant type: single nucleotide variant.
Coding change: c.2146T>G on transcript NM_030958.3 (MANE Select); coding-DNA position 2146, T replaced by G.
Protein change: p.Trp716Gly; replaces tryptophan 716 with glycine.
Molecular consequence: missense variant. On other transcripts: 3 prime UTR variant (1).
Genome position (GRCh38, 1-based): chr8:69,673,270, A>C on the plus strand (T>G on the coding strand, the complement: SLCO5A1 is on the minus strand). VCF-style: chr8-69673270-A-C. GRCh37 (hg19) VCF-style: chr8-70585505-A-C.
Other names: c.*17T>G (NM_001146008.2); c.1981T>G, p.Trp661Gly (NM_001146009.1); short protein forms W661G, W716G.
Identifiers: ClinVar variation 2105517 (VCV002105517.4), dbSNP rs2487263136, ClinGen allele CA371232702.